The following is an entry in ClinVar:

NM_004453.4(ETFDH):c.1818T>C (p.Pro606=)

Gene: ETFDH (electron transfer flavoprotein dehydrogenase; plus strand). Cytogenetic location: 4q32.1.
Variant type: single nucleotide variant.
Coding change: c.1818T>C on transcript NM_004453.4 (MANE Select); coding-DNA position 1818, T replaced by C.
Protein change: p.Pro606=; no amino-acid change (proline 606 retained).
Molecular consequence: synonymous variant.
Genome position (GRCh38, 1-based): chr4:158,708,491, T>C. VCF-style: chr4-158708491-T-C. GRCh37 (hg19) VCF-style: chr4-159629643-T-C.
Other names: c.1677T>C, p.Pro559= (NM_001281737.2); c.1635T>C, p.Pro545= (NM_001281738.1).
Identifiers: ClinVar variation 2583025 (VCV002583025.25), dbSNP rs2476741729, ClinGen allele CA442139979.
Genomic context (GRCh38, chr4:158,708,491, plus strand): 5'-TGTACATTGTAAAACATGTGATATTAAAGATCCAAGTCAGAATATTAACTGGGTGGTACC[T>C]GAAGGTGGAGGAGGACCTGCTTACAATGGAATGTAAACTGCAGCTAGCCAGTTTCTTTCA-3'
Protein context (NP_004444.2, residues 596-616): DPSQNINWVV[Pro606=]EGGGGPAYNG

ClinVar aggregate classification (germline): Likely benign (1 of 4 stars; one submission).

Submission:

CeGaT Center for Human Genetics Tuebingen
Classification: Likely benign. Last evaluated: 2023-09-01. Review status: criteria provided, single submitter. Criteria: CeGaT Center For Human Genetics Tuebingen Variant Classification Criteria Version 2. Collection method: clinical testing. Allele origin: germline. Affected: yes. Observed: 1 variant allele.
Comment: ETFDH: PM2:Supporting, BP4, BP7